The following is an entry in ClinVar:

ClinVar aggregate classification (germline): Likely pathogenic (1 of 4 stars; one submission).

Conditions:
Developmental and epileptic encephalopathy, 2 (DEE2). Also called: CDKL5 deficiency disorder; INFANTILE SPASM SYNDROME, X-LINKED 2. Identifiers: Orphanet 1934, Orphanet 3451, Orphanet 505652, MedGen C4750718, MONDO:0010396, OMIM 300672.

Submission:

Institute of Human Genetics, University of Leipzig Medical Center
Classification: Likely pathogenic for Developmental and epileptic encephalopathy, 2. Last evaluated: 2018-02-28. Review status: criteria provided, single submitter. Criteria: ACMG Guidelines, 2015. Collection method: clinical testing. Allele origin: germline. Affected: yes. Observed: 1 variant allele.
Comment: This variant was identified as hemizygous

NM_001323289.2(CDKL5):c.2047-2A>C

Gene: CDKL5 (cyclin dependent kinase like 5; plus strand). Cytogenetic location: Xp22.13.
Variant type: single nucleotide variant.
Coding change: c.2047-2A>C on transcript NM_001323289.2 (MANE Select); the canonical splice acceptor site of the intron before coding-DNA position 2047, A replaced by C.
Molecular consequence: splice acceptor variant.
Genome position (GRCh38, 1-based): chrX:18,609,463, A>C. VCF-style: chrX-18609463-A-C. GRCh37 (hg19) VCF-style: chrX-18627583-A-C.
Other names: c.2047-2A>C (NM_003159.3, NM_001037343.2).
Identifiers: ClinVar variation 976189 (VCV000976189.1), dbSNP rs1926471092, ClinGen allele CA412366216.
Genomic context (GRCh38, chrX:18,609,463, plus strand): 5'-GTCATAGGCAATATTGTCATCAATGTGTGGCTTAACTTTTATAAATTTCTTTCCTGCCTC[A>C]GGGTGGAGTGTATCATGACCCACACTCTGATGATGGCACAGCCCCCAAAGAAAATAGACA-3'